The following is an entry in ClinVar:

NM_004304.5(ALK):c.525T>C (p.Ser175=)

Gene: ALK (ALK receptor tyrosine kinase; minus strand). Cytogenetic location: 2p23.1.
Variant type: single nucleotide variant.
Coding change: c.525T>C on transcript NM_004304.5 (MANE Select); coding-DNA position 525, T replaced by C.
Protein change: p.Ser175=; no amino-acid change (serine 175 retained).
Molecular consequence: synonymous variant.
Genome position (GRCh38, 1-based): chr2:29,920,135, A>G on the plus strand (T>C on the coding strand, the complement: ALK is on the minus strand). VCF-style: chr2-29920135-A-G. GRCh37 (hg19) VCF-style: chr2-30143001-A-G.
Identifiers: ClinVar variation 4084181 (VCV004084181.8).

ClinVar aggregate classification (germline): Likely benign (1 of 4 stars; one submission).

Submission:

CeGaT Center for Human Genetics Tuebingen
Classification: Likely benign. Last evaluated: 2025-08-01. Review status: criteria provided, single submitter. Criteria: CeGaT Center For Human Genetics Tuebingen Variant Classification Criteria Version 2. Collection method: clinical testing. Allele origin: germline. Affected: yes. Observed: 1 variant allele.
Comment: ALK: PM2:Supporting, BP4, BP7